The following is an entry in ClinVar:

ClinVar aggregate classification (germline): Uncertain significance (1 of 4 stars; one submission).

Conditions:
Insulin-dependent diabetes mellitus secretory diarrhea syndrome (IPEX). Also called: X-Linked Autoimmunity-Allergic Dysregulation Syndrome; Immunodeficiency, Polyendocrinopathy, and Enteropathy X-Linked Syndrome; X-Linked Syndrome of Polyendocrinopathy, Immune Dysfunction, and Diarrhea; DIABETES MELLITUS, CONGENITAL INSULIN-DEPENDENT, WITH FATAL SECRETORY DIARRHEA; DIARRHEA, POLYENDOCRINOPATHY, FATAL INFECTION SYNDROME, X-LINKED; ENTEROPATHY, AUTOIMMUNE, WITH HEMOLYTIC ANEMIA AND POLYENDOCRINOPATHY. Identifiers: Orphanet 37042, MedGen C0342288, MONDO:0010580, OMIM 304790. Disease mechanism: loss of function.

gnomAD v4.1: 1 of 1,148,261 alleles (0.000087%); highest among the groups gnomAD compares: East Asian, 0.003%; no homozygotes.

Submission:

3billion
Classification: Uncertain significance for Insulin-dependent diabetes mellitus secretory diarrhea syndrome. Last evaluated: 2026-01-12. Review status: criteria provided, single submitter. Criteria: ACMG Guidelines, 2015. Collection method: clinical testing. Allele origin: germline. Affected: yes.
Comment: The variant is observed at an extremely low frequency in the gnomAD v4.1.0 dataset (total allele frequency: <0.001%). Predicted Consequence/Location: Missense variant In silico tool predictions suggest no damaging effect of the variant on gene or gene product [REVEL: 0.25 (<0.4); 3Cnet: 0.02 (<0.1, specificity 0.84 and negative predicitive value 0.97)]. Therefore, this variant is classified as VUS according to the recommendation of ACMG/AMP guideline.

NM_014009.4(FOXP3):c.404C>A (p.Thr135Asn)

Gene: FOXP3 (forkhead box P3; minus strand). Cytogenetic location: Xp11.23.
Variant type: single nucleotide variant.
Coding change: c.404C>A on transcript NM_014009.4 (MANE Select); coding-DNA position 404, C replaced by A.
Protein change: p.Thr135Asn; replaces threonine 135 with asparagine.
Molecular consequence: missense variant.
Genome position (GRCh38, 1-based): chrX:49,257,477, G>T on the plus strand (C>A on the coding strand, the complement: FOXP3 is on the minus strand). VCF-style: chrX-49257477-G-T. GRCh37 (hg19) VCF-style: chrX-49113934-G-T.
Other names: c.299C>A, p.Thr100Asn (NM_001114377.2); short protein forms T100N, T135N.
Identifiers: ClinVar variation 4853986 (VCV004853986.1).
Genomic context (GRCh38, chrX:49,257,477, plus strand): 5'-GAGGTGTTACCAGGTGGGAGGCCAGGCCGGGCCTTGAGGGAGAAGACCCCAGTGGCGGTG[G>T]TGGGTGGTGTGAGGCTGATCATGGCTGGGCTCTCCAGGGGGTGCACCTGCAGCACAGGGG-3'
Protein context (NP_054728.2, residues 125-145): SPAMISLTPP[Thr135Asn]TATGVFSLKA